The following is an entry in ClinVar:

ClinVar aggregate classification (germline): Uncertain significance. Review status: criteria provided, multiple submitters, no conflicts (2 of 4 stars). 2 submissions from 2 submitters: Uncertain significance (2). Last evaluated 2023-03-24.

Conditions:
Pigmentary pallidal degeneration (NBIA1). Also called: Neurodegeneration with brain iron accumulation 1; HARP SYNDROME; PKAN NEUROAXONAL DYSTROPHY, JUVENILE-ONSET; Pantothenate Kinase-Associated Neurodegeneration; Neuroaxonal dystrophy, late infantile; Hallervorden-Spatz disease. Identifiers: Orphanet 157850, MedGen C0018523, MONDO:0009319, OMIM 234200.
Inborn genetic diseases. Identifiers: MedGen C0950123, MeSH D030342.

Allele frequency attached by ClinVar (database versions not stated): TOPMed 0.00002; gnomAD exomes 0.00001; gnomAD 0.00001.
gnomAD v4.1: 10 of 1,600,110 alleles (0.00062%); highest among the groups gnomAD compares: Non-Finnish European, 0.00085%; no homozygotes.

Submissions (2):

Ambry Genetics
Classification: Uncertain significance for Inborn genetic diseases. Last evaluated: 2023-03-24. Review status: criteria provided, single submitter. Criteria: Ambry Variant Classification Scheme 2023. Collection method: clinical testing. Allele origin: germline.

Labcorp Genetics (formerly Invitae), Labcorp
Classification: Uncertain significance for Pigmentary pallidal degeneration. Last evaluated: 2022-10-06. Review status: criteria provided, single submitter. Criteria: Invitae Variant Classification Sherloc (09022015). Collection method: clinical testing. Allele origin: germline.
Comment: This sequence change replaces glycine, which is neutral and non-polar, with alanine, which is neutral and non-polar, at codon 70 of the PANK2 protein (p.Gly70Ala). This variant is present in population databases (no rsID available, gnomAD 0.002%). This variant has not been reported in the literature in individuals affected with PANK2-related conditions. Advanced modeling of protein sequence and biophysical properties (such as structural, functional, and spatial information, amino acid conservation, physicochemical variation, residue mobility, and thermodynamic stability) performed at Invitae indicates that this missense variant is not expected to disrupt PANK2 protein function. In summary, the available evidence is currently insufficient to determine the role of this variant in disease. Therefore, it has been classified as a Variant of Uncertain Significance.

NM_153638.4(PANK2):c.209G>C (p.Gly70Ala)

Genes: PANK2 (pantothenate kinase 2; plus strand), LOC130065345 (ATAC-STARR-seq lymphoblastoid silent region 12635; plus strand). Cytogenetic location: 20p13.
Variant type: single nucleotide variant.
Coding change: c.209G>C on transcript NM_153638.4; coding-DNA position 209, G replaced by C.
Protein change: p.Gly70Ala; replaces glycine 70 with alanine.
Molecular consequence: missense variant. On other transcripts: intron variant (1).
Genome position (GRCh38, 1-based): chr20:3,889,309, G>C. VCF-style: chr20-3889309-G-C. GRCh37 (hg19) VCF-style: chr20-3869956-G-C.
Other names: c.209G>C, p.Gly70Ala (NM_001324192.1); c.-246+405G>C (NM_024960.6); short protein forms G70A.
Identifiers: ClinVar variation 2164695 (VCV002164695.3), dbSNP rs1301388603, ClinGen allele CA408139783.